The following is an entry in ClinVar:

ClinVar aggregate classification (germline): Uncertain significance (1 of 4 stars; one submission).

Conditions:
Idiopathic generalized epilepsy. Also called: EIG; Generalised epilepsy. Identifiers: MedGen C0270850, MONDO:0005579, OMIM 600669.
Hyperaldosteronism, familial, type IV (HALD4). Also called: FH IV; ALDOSTERONISM, PRIMARY, AND HYPERTENSION. Identifiers: Orphanet 642671, MedGen C4310756, MONDO:0014875, OMIM 617027.

gnomAD v4.1: 10 of 1,549,998 alleles (0.00065%); highest among the groups gnomAD compares: Non-Finnish European, 0.00087%; no homozygotes.

Submission:

Labcorp Genetics (formerly Invitae), Labcorp
Classification: Uncertain significance for Idiopathic generalized epilepsy; Hyperaldosteronism, familial, type IV. Last evaluated: 2023-05-19. Review status: criteria provided, single submitter. Criteria: Invitae Variant Classification Sherloc (09022015). Collection method: clinical testing. Allele origin: germline.
Comment: In summary, the available evidence is currently insufficient to determine the role of this variant in disease. Therefore, it has been classified as a Variant of Uncertain Significance. An algorithm developed to predict the effect of missense changes on protein structure and function (PolyPhen-2) suggests that this variant is likely to be disruptive. This variant has not been reported in the literature in individuals affected with CACNA1H-related conditions. This variant is present in population databases (no rsID available, gnomAD 0.002%). This sequence change replaces glycine, which is neutral and non-polar, with alanine, which is neutral and non-polar, at codon 1963 of the CACNA1H protein (p.Gly1963Ala).

NM_021098.3(CACNA1H):c.5888G>C (p.Gly1963Ala)

Gene: CACNA1H (calcium voltage-gated channel subunit alpha1 H; plus strand). Cytogenetic location: 16p13.3.
Variant type: single nucleotide variant.
Coding change: c.5888G>C on transcript NM_021098.3 (MANE Select); coding-DNA position 5888, G replaced by C.
Protein change: p.Gly1963Ala; replaces glycine 1963 with alanine.
Molecular consequence: missense variant.
Genome position (GRCh38, 1-based): chr16:1,218,970, G>C. VCF-style: chr16-1218970-G-C. GRCh37 (hg19) VCF-style: chr16-1268970-G-C.
Other names: c.5870G>C, p.Gly1957Ala (NM_001005407.2); short protein forms G1963A, G1957A.
Identifiers: ClinVar variation 2931139 (VCV002931139.3), dbSNP rs1367061803, ClinGen allele CA394148106.